The following is an entry in ClinVar:

NM_002292.4(LAMB2):c.1183C>G (p.Arg395Gly)

Gene: LAMB2 (laminin subunit beta 2; minus strand). Cytogenetic location: 3p21.31.
Variant type: single nucleotide variant.
Coding change: c.1183C>G on transcript NM_002292.4 (MANE Select); coding-DNA position 1183, C replaced by G.
Protein change: p.Arg395Gly; replaces arginine 395 with glycine.
Molecular consequence: missense variant.
Genome position (GRCh38, 1-based): chr3:49,130,273, G>C on the plus strand (C>G on the coding strand, the complement: LAMB2 is on the minus strand). VCF-style: chr3-49130273-G-C. GRCh37 (hg19) VCF-style: chr3-49167706-G-C.
Other names: short protein forms R395G.
Identifiers: ClinVar variation 1483139 (VCV001483139.6), dbSNP rs967800410, ClinGen allele CA352742928.
Genomic context (GRCh38, chr3:49,130,273, plus strand): 5'-GCCCAATCCCAGCCTCACAGCGGCACACAGCCGGATCCCGCAGGTCCTTGGTTGGGTCAC[G>C]GTAGAAGAAGGGCCGACAGAGCTCACAGTGGCGCCCAGCTGTGTTATGCTGACATCCATC-3'
Protein context (NP_002283.3, residues 385-405): HCELCRPFFY[Arg395Gly]DPTKDLRDPA

ClinVar aggregate classification (germline): Uncertain significance (1 of 4 stars; one submission).

Conditions:
Pierson syndrome. Also called: MICROCORIA-CONGENITAL NEPHROTIC SYNDROME. Identifiers: Orphanet 2670, MedGen C1836876, MONDO:0012184, OMIM 609049.
LAMB2-related infantile-onset nephrotic syndrome. Also called: NEPHROTIC SYNDROME, TYPE 5, WITHOUT OCULAR ABNORMALITIES; NEPHROTIC SYNDROME, TYPE 5, WITH OCULAR ABNORMALITIES; Nephrotic Syndrome, type 5. Identifiers: Orphanet 306507, MedGen C3280113, MONDO:0013621, OMIM 614199.

gnomAD v4.1: 1 of 1,614,190 alleles (0.000062%); highest among the groups gnomAD compares: Non-Finnish European, 0.000085%; no homozygotes.

Submission:

Labcorp Genetics (formerly Invitae), Labcorp
Classification: Uncertain significance for LAMB2-related infantile-onset nephrotic syndrome; Pierson syndrome. Last evaluated: 2024-10-24. Review status: criteria provided, single submitter. Criteria: Invitae Variant Classification Sherloc (09022015). Collection method: clinical testing. Allele origin: germline.
Comment: This sequence change replaces arginine, which is basic and polar, with glycine, which is neutral and non-polar, at codon 395 of the LAMB2 protein (p.Arg395Gly). This variant is not present in population databases (gnomAD no frequency). This variant has not been reported in the literature in individuals affected with LAMB2-related conditions. ClinVar contains an entry for this variant (Variation ID: 1483139). An algorithm developed to predict the effect of missense changes on protein structure and function (PolyPhen-2) suggests that this variant is likely to be disruptive. In summary, the available evidence is currently insufficient to determine the role of this variant in disease. Therefore, it has been classified as a Variant of Uncertain Significance.